The following is an entry in ClinVar:

NM_001244008.2(KIF1A):c.4180T>C (p.Ser1394Pro)

Gene: KIF1A (kinesin family member 1A; minus strand). Cytogenetic location: 2q37.3.
Variant type: single nucleotide variant.
Coding change: c.4180T>C on transcript NM_001244008.2 (MANE Select); coding-DNA position 4180, T replaced by C.
Protein change: p.Ser1394Pro; replaces serine 1394 with proline.
Molecular consequence: missense variant.
Genome position (GRCh38, 1-based): chr2:240,725,347, A>G on the plus strand (T>C on the coding strand, the complement: KIF1A is on the minus strand). VCF-style: chr2-240725347-A-G. GRCh37 (hg19) VCF-style: chr2-241664764-A-G.
Other names: c.3877T>C, p.Ser1293Pro (NM_004321.8, NM_001379650.1, NM_001379651.1 and 2 more transcripts); c.4180T>C, p.Ser1394Pro (NM_001379642.1); c.4153T>C, p.Ser1385Pro (NM_001379645.1, NM_001379633.1); c.4003T>C, p.Ser1335Pro (NM_001379646.1, NM_001379635.1); c.3979T>C, p.Ser1327Pro (NM_001379648.1, NM_001330290.2); c.3904T>C, p.Ser1302Pro (NM_001379649.1, NM_001320705.2); c.3901T>C, p.Ser1301Pro (NM_001379654.1, NM_001379639.1); c.3991T>C, p.Ser1331Pro (NM_001379636.1); and 7 more; short protein forms S1302P, S1331P, S1394P, S1301P, S1311P, S1318P, S1419P, S1292P.
Identifiers: ClinVar variation 2948112 (VCV002948112.5), dbSNP rs2536775847, ClinGen allele CA351307388.

ClinVar aggregate classification (germline): Uncertain significance. Review status: criteria provided, multiple submitters, no conflicts (2 of 4 stars). 2 submissions from 2 submitters: Uncertain significance (2). Last evaluated 2026-05-01.

Conditions:
Neuropathy, hereditary sensory, type 2C. Also called: Hereditary sensory and autonomic neuropathy type IIC; KIF1A-Related HSAN2 (HSAN2C). Identifiers: Orphanet 970, MedGen C3280168, MONDO:0013634, OMIM 614213.
Intellectual disability, autosomal dominant 9 (NESCAVS). Also called: KIF1A-Related Neurodevelopmental Disorder; NESCAV SYNDROME. Identifiers: Orphanet 662367, MedGen C5393830, MONDO:0013656, OMIM 614255.
Hereditary spastic paraplegia 30. Identifiers: Orphanet 101010, MedGen C5235139, MONDO:0012476.

Submissions (2):

CeGaT Center for Human Genetics Tuebingen
Classification: Uncertain significance. Last evaluated: 2026-05-01. Review status: criteria provided, single submitter. Criteria: CeGaT Center For Human Genetics Tuebingen Variant Classification Criteria Version 2. Collection method: clinical testing. Allele origin: germline. Affected: yes. Observed: 1 variant allele.
Comment: KIF1A: PM2

Labcorp Genetics (formerly Invitae), Labcorp
Classification: Uncertain significance for Hereditary spastic paraplegia 30; Neuropathy, hereditary sensory, type 2C; Intellectual disability, autosomal dominant 9. Last evaluated: 2023-05-22. Review status: criteria provided, single submitter. Criteria: Invitae Variant Classification Sherloc (09022015). Collection method: clinical testing. Allele origin: germline.
Comment: In summary, the available evidence is currently insufficient to determine the role of this variant in disease. Therefore, it has been classified as a Variant of Uncertain Significance. Advanced modeling of protein sequence and biophysical properties (such as structural, functional, and spatial information, amino acid conservation, physicochemical variation, residue mobility, and thermodynamic stability) performed at Invitae indicates that this missense variant is not expected to disrupt KIF1A protein function. This variant has not been reported in the literature in individuals affected with KIF1A-related conditions. This variant is not present in population databases (gnomAD no frequency). This sequence change replaces serine, which is neutral and polar, with proline, which is neutral and non-polar, at codon 1293 of the KIF1A protein (p.Ser1293Pro).